The following is an entry in ClinVar:

ClinVar aggregate classification (germline): Likely benign. Review status: criteria provided, single submitter (1 of 4 stars). 2 submissions from 2 submitters: Likely benign (1). 1 of the submissions does not count toward it. Last evaluated 2025-08-25.

Conditions:
PNPO-related disorder. Also called: PNPO-related condition; PNPO-related disorders.
Pyridoxal phosphate-responsive seizures (PNPOD). Also called: Pyridoxal 5'-Phosphate (PLP)-Dependent Epilepsy; SEIZURES, PYRIDOXINE-RESISTANT, PLP-SENSITIVE; EPILEPTIC ENCEPHALOPATHY, NEONATAL, PNPO-RELATED; Pyridoxamine 5-Prime-Phosphate Oxidase Deficiency; Pyridoxine-5'-phosphate oxidase deficiency. Identifiers: Orphanet 79096, MedGen C1864723, MONDO:0012407, OMIM 610090. Disease mechanism: loss of function.

Allele frequency attached by ClinVar (database versions not stated): ExAC below 0.00001; gnomAD 0.00001; TOPMed 0.00001.

Submissions (2):

Labcorp Genetics (formerly Invitae), Labcorp
Classification: Likely benign for Pyridoxal phosphate-responsive seizures. Last evaluated: 2025-08-25. Review status: criteria provided, single submitter. Criteria: Invitae Variant Classification Sherloc (09022015). Collection method: clinical testing. Allele origin: germline.

PreventionGenetics, part of Exact Sciences
Classification: Likely benign for PNPO-related condition. Last evaluated: 2021-10-11. Review status: no assertion criteria provided. Collection method: clinical testing. Allele origin: germline. Not counted in ClinVar's aggregate classification.
Comment: This variant is classified as likely benign based on ACMG/AMP sequence variant interpretation guidelines (Richards et al. 2015 PMID: 25741868, with internal and published modifications).

NM_018129.4(PNPO):c.138+9G>A

Gene: PNPO (pyridoxamine 5'-phosphate oxidase; plus strand). Cytogenetic location: 17q21.32.
Variant type: single nucleotide variant.
Coding change: c.138+9G>A on transcript NM_018129.4 (MANE Select); 9 bases into the intron after coding-DNA position 138, G replaced by A.
Molecular consequence: intron variant.
Genome position (GRCh38, 1-based): chr17:47,941,822, G>A. VCF-style: chr17-47941822-G-A. GRCh37 (hg19) VCF-style: chr17-46019188-G-A.
Identifiers: ClinVar variation 696574 (VCV000696574.12), dbSNP rs746859243, ClinGen allele CA8629102.